The following is an entry in ClinVar:

ClinVar aggregate classification (germline): Uncertain significance (1 of 4 stars; one submission).

Conditions:
EPILEPSY, CHILDHOOD ABSENCE, SUSCEPTIBILITY TO, 2 (ECA2). Identifiers: Orphanet 64280, MedGen C1843244, OMIM 607681.
Febrile seizures, familial, 8 (FEB8). Also called: CONVULSIONS, FAMILIAL FEBRILE, 8. Identifiers: Orphanet 36387, MedGen C1969810, MONDO:0011891, OMIM 607681.

Submission:

Labcorp Genetics (formerly Invitae), Labcorp
Classification: Uncertain significance for Febrile seizures, familial, 8; EPILEPSY, CHILDHOOD ABSENCE, SUSCEPTIBILITY TO, 2. Last evaluated: 2023-11-24. Review status: criteria provided, single submitter. Criteria: Invitae Variant Classification Sherloc (09022015). Collection method: clinical testing. Allele origin: germline.
Comment: This sequence change replaces phenylalanine, which is neutral and non-polar, with valine, which is neutral and non-polar, at codon 117 of the GABRG2 protein (p.Phe117Val). This variant is not present in population databases (gnomAD no frequency). This variant has not been reported in the literature in individuals affected with GABRG2-related conditions. Advanced modeling of protein sequence and biophysical properties (such as structural, functional, and spatial information, amino acid conservation, physicochemical variation, residue mobility, and thermodynamic stability) performed at Invitae indicates that this missense variant is expected to disrupt GABRG2 protein function with a positive predictive value of 95%. In summary, the available evidence is currently insufficient to determine the role of this variant in disease. Therefore, it has been classified as a Variant of Uncertain Significance.

NM_198904.4(GABRG2):c.349T>G (p.Phe117Val)

Gene: GABRG2 (gamma-aminobutyric acid type A receptor subunit gamma2; plus strand). Cytogenetic location: 5q34.
Variant type: single nucleotide variant.
Coding change: c.349T>G on transcript NM_198904.4 (MANE Select); coding-DNA position 349, T replaced by G.
Protein change: p.Phe117Val; replaces phenylalanine 117 with valine.
Molecular consequence: missense variant. On other transcripts: intron variant (2).
Genome position (GRCh38, 1-based): chr5:162,097,659, T>G. VCF-style: chr5-162097659-T-G. GRCh37 (hg19) VCF-style: chr5-161524665-T-G.
Other names: c.349T>G, p.Phe117Val (NM_000816.3, NM_001375340.1, NM_001375341.1 and 4 more transcripts); c.340T>G, p.Phe114Val (NM_001375339.1); c.283T>G, p.Phe95Val (NM_001375345.1, NM_001375346.1); c.262T>G, p.Phe88Val (NM_001375347.1); c.64T>G, p.Phe22Val (NM_001375349.1); c.-31-41T>G (NM_001375350.1, NM_001375348.1); short protein forms F22V, F114V, F117V, F95V, F88V.
Identifiers: ClinVar variation 2953906 (VCV002953906.3), dbSNP rs2532568577, ClinGen allele CA362183740.